The following is an entry in ClinVar:

NM_032048.3(EMILIN2):c.2703G>A (p.Pro901=)

Gene: EMILIN2 (elastin microfibril interfacer 2; plus strand). Cytogenetic location: 18p11.31.
Variant type: single nucleotide variant.
Coding change: c.2703G>A on transcript NM_032048.3 (MANE Select); coding-DNA position 2703, G replaced by A.
Protein change: p.Pro901=; no amino-acid change (proline 901 retained).
Molecular consequence: synonymous variant.
Genome position (GRCh38, 1-based): chr18:2,909,698, G>A. VCF-style: chr18-2909698-G-A. GRCh37 (hg19) VCF-style: chr18-2909696-G-A.
Identifiers: ClinVar variation 2648522 (VCV002648522.24), dbSNP rs147900182, ClinGen allele CA8872446.
Genomic context (GRCh38, chr18:2,909,698, plus strand): 5'-CCTGGAGGACAGAAGCACCCGGGTCAATCCATTCCATCCTTTCTCTGCTCCAGGAGCTCC[G>A]GTGCCTTCTCTGGTGTCTTTTTCTGCGGGGCTCACCCAGAAGCCTTTCCCCAGTGATGGG-3'
Protein context (NP_114437.2, residues 891-911): KSPPVASPGA[Pro901=]VPSLVSFSAG

ClinVar aggregate classification (germline): Likely benign (1 of 4 stars; one submission).

Allele frequency attached by ClinVar (database versions not stated): gnomAD 0.00029; ExAC 0.00031; TOPMed 0.00035; gnomAD exomes 0.00054; ESP Exome Variant Server 0.00069.
gnomAD v4.1: 827 of 1,613,926 alleles (0.051%); highest among the groups gnomAD compares: South Asian, 0.06%; 3 homozygotes.

Submission:

CeGaT Center for Human Genetics Tuebingen
Classification: Likely benign. Last evaluated: 2023-10-01. Review status: criteria provided, single submitter. Criteria: CeGaT Center For Human Genetics Tuebingen Variant Classification Criteria Version 2. Collection method: clinical testing. Allele origin: germline. Affected: yes. Observed: 1 variant allele.
Comment: EMILIN2: BP4, BP7